The following is an entry in ClinVar:

ClinVar aggregate classification (germline): Uncertain significance. Review status: criteria provided, multiple submitters, no conflicts (2 of 4 stars). 2 submissions from 2 submitters: Uncertain significance (2). Last evaluated 2025-09-15.

Submissions (2):

Women's Health and Genetics/Laboratory Corporation of America, LabCorp
Classification: Uncertain significance. Last evaluated: 2025-09-15. Review status: criteria provided, single submitter. Criteria: LabCorp Variant Classification Summary - May 2015. Collection method: clinical testing. Allele origin: germline.

Laboratory for Molecular Medicine, Mass General Brigham Personalized Medicine
Classification: Uncertain significance. Last evaluated: 2012-06-11. Review status: criteria provided, single submitter. Criteria: LMM Criteria. Collection method: clinical testing. Allele origin: germline. Observed: 1 variant allele.
Comment: The 195+4_195+5delCA variant in LAMA4 has not been reported in the literature no r previously identified by our laboratory. This variant is located in the 5' spl ice region, but computational tools do not suggest an obvious impact to splicing . However, this information is not predictive enough to rule out pathogenicity. Additional information is needed to fully assess the clinical significance of th is variant.

NM_001105206.3(LAMA4):c.195+4_195+5del

Genes: LAMA4 (laminin subunit alpha 4; minus strand), LAMA4-AS1 (LAMA4 antisense RNA 1; plus strand). Cytogenetic location: 6q21.
Variant type: Deletion.
Coding change: c.195+4_195+5del on transcript NM_001105206.3 (MANE Select); bases 4 to 5 of the intron after coding-DNA position 195, 2 bases deleted (CA; older notation c.195+4_195+5delCA).
Molecular consequence: intron variant. On other transcripts: frameshift variant (2).
Genome position (GRCh38, 1-based): chr6:112,253,951-112,253,952, TG deleted on the plus strand (CA on the coding strand, the reverse complement: LAMA4 is on the minus strand); deleting any 2 consecutive bases within chr6:112,253,951-112,253,953 gives the same sequence; the c. name uses the placement nearest the transcript's 3' end. VCF-style (leftmost placement, unchanged base first): chr6-112253950-CTG-C. GRCh37 (hg19) VCF-style: chr6-112575152-CTG-C.
Other names: c.199_200del, p.Gln67fs (NM_001105208.3, NM_001105209.3); c.195+4_195+5del (NM_002290.5, NM_001105207.3); c.195+4_195+5delCA (NM_001105206.3); short protein forms Q67fs.
Identifiers: ClinVar variation 44353 (VCV000044353.5), dbSNP rs397516719, ClinGen allele CA134014.